The following is an entry in ClinVar:

ClinVar aggregate classification (germline): Uncertain significance (1 of 4 stars; one submission).

Conditions:
Duchenne muscular dystrophy (DMD). Also called: MUSCULAR DYSTROPHY, PSEUDOHYPERTROPHIC PROGRESSIVE, DUCHENNE TYPE; Duchenne Muscular Dystrophy (DMD). Identifiers: Orphanet 98896, MedGen C0013264, MONDO:0010679, OMIM 310200.

Submission:

Labcorp Genetics (formerly Invitae), Labcorp
Classification: Uncertain significance for Duchenne muscular dystrophy. Last evaluated: 2024-10-16. Review status: criteria provided, single submitter. Criteria: Invitae Variant Classification Sherloc (09022015). Collection method: clinical testing. Allele origin: germline.
Comment: This sequence change replaces methionine, which is neutral and non-polar, with leucine, which is neutral and non-polar, at codon 1313 of the DMD protein (p.Met1313Leu). This variant is not present in population databases (gnomAD no frequency). This variant has not been reported in the literature in individuals affected with DMD-related conditions. Invitae Evidence Modeling of protein sequence and biophysical properties (such as structural, functional, and spatial information, amino acid conservation, physicochemical variation, residue mobility, and thermodynamic stability) indicates that this missense variant is not expected to disrupt DMD protein function with a negative predictive value of 95%. In summary, the available evidence is currently insufficient to determine the role of this variant in disease. Therefore, it has been classified as a Variant of Uncertain Significance.

NM_004006.3(DMD):c.3937A>C (p.Met1313Leu)

Gene: DMD (dystrophin; minus strand). Cytogenetic location: Xp21.1.
Variant type: single nucleotide variant.
Coding change: c.3937A>C on transcript NM_004006.3 (MANE Select); coding-DNA position 3937, A replaced by C.
Protein change: p.Met1313Leu; replaces methionine 1313 with leucine.
Molecular consequence: missense variant.
Genome position (GRCh38, 1-based): chrX:32,438,375, T>G on the plus strand (A>C on the coding strand, the complement: DMD is on the minus strand). VCF-style: chrX-32438375-T-G. GRCh37 (hg19) VCF-style: chrX-32456492-T-G.
Other names: c.3913A>C, p.Met1305Leu (NM_000109.4); c.3925A>C, p.Met1309Leu (NM_004009.3); c.3568A>C, p.Met1190Leu (NM_004010.3); short protein forms M1305L, M1190L, M1313L, M1309L.
Identifiers: ClinVar variation 3634833 (VCV003634833.2).